The following is an entry in ClinVar:

ClinVar aggregate classification (germline): Uncertain significance. Review status: criteria provided, multiple submitters, no conflicts (2 of 4 stars). 2 submissions from 2 submitters: Uncertain significance (2). Last evaluated 2023-08-02.

Allele frequency attached by ClinVar (database versions not stated): ExAC 0.00002; TOPMed 0.00003; gnomAD 0.00004; gnomAD exomes 0.00007.
gnomAD v4.1: 106 of 1,614,090 alleles (0.0066%); highest among the groups gnomAD compares: Middle Eastern, 0.016%; no homozygotes.

Submissions (2):

Labcorp Genetics (formerly Invitae), Labcorp
Classification: Uncertain significance. Last evaluated: 2023-08-02. Review status: criteria provided, single submitter. Criteria: Invitae Variant Classification Sherloc (09022015). Collection method: clinical testing. Allele origin: germline.
Comment: In summary, the available evidence is currently insufficient to determine the role of this variant in disease. Therefore, it has been classified as a Variant of Uncertain Significance. Advanced modeling of protein sequence and biophysical properties (such as structural, functional, and spatial information, amino acid conservation, physicochemical variation, residue mobility, and thermodynamic stability) performed at Invitae indicates that this missense variant is not expected to disrupt ARHGEF10 protein function. ClinVar contains an entry for this variant (Variation ID: 2373239). This variant has not been reported in the literature in individuals affected with ARHGEF10-related conditions. This variant is present in population databases (rs777419015, gnomAD 0.006%). This sequence change replaces glutamic acid, which is acidic and polar, with lysine, which is basic and polar, at codon 954 of the ARHGEF10 protein (p.Glu954Lys).

Ambry Genetics
Classification: Uncertain significance. Last evaluated: 2022-04-13. Review status: criteria provided, single submitter. Criteria: Ambry Variant Classification Scheme 2023. Collection method: clinical testing. Allele origin: germline.

NM_014629.4(ARHGEF10):c.2860G>A (p.Glu954Lys)

Gene: ARHGEF10 (Rho guanine nucleotide exchange factor 10; plus strand). Cytogenetic location: 8p23.3.
Variant type: single nucleotide variant.
Coding change: c.2860G>A on transcript NM_014629.4 (MANE Select); coding-DNA position 2860, G replaced by A.
Protein change: p.Glu954Lys; replaces glutamic acid 954 with lysine.
Molecular consequence: missense variant.
Genome position (GRCh38, 1-based): chr8:1,928,589, G>A. VCF-style: chr8-1928589-G-A. GRCh37 (hg19) VCF-style: chr8-1876755-G-A.
Other names: c.2746G>A, p.Glu916Lys (NM_001308152.2); c.2860G>A, p.Glu954Lys (NM_001308153.3); short protein forms E916K, E954K, E978K.
Identifiers: ClinVar variation 2373239 (VCV002373239.5), dbSNP rs777419015, ClinGen allele CA4601087.
Genomic context (GRCh38, chr8:1,928,589, plus strand): 5'-TGCATGCTGTACGTTCCCGTCGAGGAGAAGCGCAGAGAGCCTGGGGCACCCCCGGACCCC[G>A]AGACCCCGGCCGTGAGAGCTTCTGATGTCCCCACGATCTGTGTAGGGACGGAGGAGGGAA-3'
Protein context (NP_055444.2, residues 944-964): RREPGAPPDP[Glu954Lys]TPAVRASDVP